The following is an entry in ClinVar:

ClinVar aggregate classification (germline): Uncertain significance (1 of 4 stars; one submission).

Submission:

Labcorp Genetics (formerly Invitae), Labcorp
Classification: Uncertain significance. Last evaluated: 2021-10-28. Review status: criteria provided, single submitter. Criteria: Invitae Variant Classification Sherloc (09022015). Collection method: clinical testing. Allele origin: germline.
Comment: In summary, the available evidence is currently insufficient to determine the role of this variant in disease. Therefore, it has been classified as a Variant of Uncertain Significance. Algorithms developed to predict the effect of missense changes on protein structure and function (SIFT, PolyPhen-2, Align-GVGD) all suggest that this variant is likely to be disruptive. This variant has not been reported in the literature in individuals affected with GTPBP3-related conditions. This variant is not present in population databases (gnomAD no frequency). This sequence change replaces arginine, which is basic and polar, with proline, which is neutral and non-polar, at codon 52 of the GTPBP3 protein (p.Arg52Pro).

NM_032620.4(GTPBP3):c.155G>C (p.Arg52Pro)

Gene: GTPBP3 (GTP binding protein 3, mitochondrial; plus strand). Cytogenetic location: 19p13.11.
Variant type: single nucleotide variant.
Coding change: c.155G>C on transcript NM_032620.4 (MANE Select); coding-DNA position 155, G replaced by C.
Protein change: p.Arg52Pro; replaces arginine 52 with proline.
Molecular consequence: missense variant.
Genome position (GRCh38, 1-based): chr19:17,338,109, G>C. VCF-style: chr19-17338109-G-C. GRCh37 (hg19) VCF-style: chr19-17448918-G-C.
Other names: c.155G>C, p.Arg52Pro (NM_001128855.3, NM_133644.4); c.221G>C, p.Arg74Pro (NM_001195422.1); short protein forms R74P, R52P.
Identifiers: ClinVar variation 1437253 (VCV001437253.6), dbSNP rs765129583, ClinGen allele CA404731736.
Genomic context (GRCh38, chr19:17,338,109, plus strand): 5'-CCGGCGCCACCATCTTCGCGCTAAGCTCTGGCCAAGGCCGCTGCGGCATCGCAGTGATCC[G>C]GACCAGCGGCCCCGCCAGCGGCCACGCCCTCCGAATTCTCACAGCACCCCGAGACCTGCC-3'
Protein context (NP_116009.2, residues 42-62): GQGRCGIAVI[Arg52Pro]TSGPASGHAL